The following is an entry in ClinVar:

ClinVar aggregate classification (germline): Pathogenic (1 of 4 stars; one submission).

Conditions:
Autosomal recessive nonsyndromic hearing loss 8 (DFNB8). Also called: NEUROSENSORY NONSYNDROMIC RECESSIVE DEAFNESS 8; Deafness, autosomal recessive 10. Identifiers: Orphanet 90636, MedGen C1832827, MONDO:0010987, OMIM 601072.

gnomAD v4.1: 3 of 1,614,152 alleles (0.00019%); highest among the groups gnomAD compares: Non-Finnish European, 0.00025%; no homozygotes.

Submission:

Ebn Sina Genetics Laboratory
Classification: Pathogenic for Autosomal recessive nonsyndromic hearing loss 8. Last evaluated: 2024-10-25. Review status: criteria provided, single submitter. Criteria: ACMG Guidelines, 2015. Collection method: clinical testing. Allele origin: germline. Affected: yes. Observed: 4 variant alleles. Clinical features observed: Sensorineural hearing impairment.
Comment: The NM_001256317.3(TMPRSS3):c.731G>A (p.Gly244Asp) variant is a missense change that appears in the GnomAD database with a frequency of 0.00000205 across 1,461,788 control chromosomes; no homozygous individuals were reported. While there are no clinical significance assessments currently submitted to ClinVar for this specific entry, computational (in-silico) tools predict a pathogenic outcome. Additionally, a different missense variant located at the same amino acid position (G244V) is currently classified as a variant of uncertain significance.

NM_001256317.3(TMPRSS3):c.731G>A (p.Gly244Asp)

Gene: TMPRSS3 (transmembrane serine protease 3; minus strand). Cytogenetic location: 21q22.3.
Variant type: single nucleotide variant.
Coding change: c.731G>A on transcript NM_001256317.3 (MANE Select); coding-DNA position 731, G replaced by A.
Protein change: p.Gly244Asp; replaces glycine 244 with aspartic acid.
Molecular consequence: missense variant.
Genome position (GRCh38, 1-based): chr21:42,383,084, C>T on the plus strand (G>A on the coding strand, the complement: TMPRSS3 is on the minus strand). VCF-style: chr21-42383084-C-T. GRCh37 (hg19) VCF-style: chr21-43803193-C-T.
Other names: c.731G>A, p.Gly244Asp (NM_024022.4, NM_032405.2); c.350G>A, p.Gly117Asp (NM_032404.3); short protein forms G117D, G244D.
Identifiers: ClinVar variation 4540609 (VCV004540609.1).